The following is an entry in ClinVar:

ClinVar aggregate classification (germline): Uncertain significance (1 of 4 stars; one submission).

Conditions:
Dilated cardiomyopathy 1G (CMD1G). Identifiers: Orphanet 154, MedGen C1858763, MONDO:0011400, OMIM 604145.
Autosomal recessive limb-girdle muscular dystrophy type 2J (LGMDR10). Also called: MUSCULAR DYSTROPHY, LIMB-GIRDLE, AUTOSOMAL RECESSIVE 10; Limb-girdle muscular dystrophy, type 2J. Identifiers: Orphanet 140922, MedGen C1837342, MONDO:0012127, OMIM 608807.

Submission:

Labcorp Genetics (formerly Invitae), Labcorp
Classification: Uncertain significance for Dilated cardiomyopathy 1G; Autosomal recessive limb-girdle muscular dystrophy type 2J. Last evaluated: 2024-04-15. Review status: criteria provided, single submitter. Criteria: Invitae Variant Classification Sherloc (09022015). Collection method: clinical testing. Allele origin: germline.
Comment: This sequence change falls in intron 107 of the TTN gene. It does not directly change the encoded amino acid sequence of the TTN protein. It affects a nucleotide within the consensus splice site. This variant is not present in population databases (gnomAD no frequency). This variant has not been reported in the literature in individuals affected with TTN-related conditions. Experimental studies and prediction algorithms are not available or were not evaluated, and the functional significance of this variant is currently unknown. Variants that disrupt the consensus splice site are a relatively common cause of aberrant splicing (PMID: 17576681, 9536098). Algorithms developed to predict the effect of sequence changes on RNA splicing suggest that this variant is not likely to affect RNA splicing. This variant is located in the I band of TTN (PMID: 25589632). Non-truncating variants in this region may be clinically relevant, but have not been definitively shown to cause cardiomyopathy or neuromuscular disease (PMID: 27493940, 32778822). In summary, the available evidence is currently insufficient to determine the role of this variant in disease. Therefore, it has been classified as a Variant of Uncertain Significance.

Literature cited by the submitters: PubMed 17576681; PubMed 9536098; PubMed 25589632; PubMed 27493940; PubMed 32778822.

NM_001267550.2(TTN):c.30433+3G>C

Gene: TTN (titin; minus strand). Cytogenetic location: 2q31.2.
Variant type: single nucleotide variant.
Coding change: c.30433+3G>C on transcript NM_001267550.2 (MANE Select); 3 bases into the intron after coding-DNA position 30433, G replaced by C.
Molecular consequence: intron variant.
Genome position (GRCh38, 1-based): chr2:178,702,451, C>G on the plus strand (G>C on the coding strand, the complement: TTN is on the minus strand). VCF-style: chr2-178702451-C-G. GRCh37 (hg19) VCF-style: chr2-179567178-C-G.
Other names: c.13282+35631G>C (NM_003319.4); c.13858+35631G>C (NM_133437.4); c.13657+35631G>C (NM_133432.3); c.26701+3G>C (NM_133378.4); c.29482+3G>C (NM_001256850.1).
Identifiers: ClinVar variation 2942296 (VCV002942296.3), dbSNP rs2475080593, ClinGen allele CA2740096238.